The following is an entry in ClinVar:

ClinVar aggregate classification (germline): Likely pathogenic (1 of 4 stars; one submission).

Conditions:
Isolated microphthalmia 6. Also called: MICROPHTHALMIA, POSTERIOR NONSYNDROMIC. Identifiers: Orphanet 2542, MedGen C3150757, MONDO:0013293, OMIM 613517.

Submission:

Centre for Mendelian Genomics, University Medical Centre Ljubljana
Classification: Likely pathogenic for Isolated microphthalmia 6. Last evaluated: 2019-06-23. Review status: criteria provided, single submitter. Criteria: ACMG Guidelines, 2015. Collection method: clinical testing. Allele origin: unknown. Affected: yes.
Comment: This variant was classified as: Likely pathogenic. The following ACMG criteria were applied in classifying this variant: PVS1,PM2.

NM_001195129.2(PRSS56):c.94del (p.Gln32fs)

Gene: PRSS56 (serine protease 56; plus strand). Cytogenetic location: 2q37.1.
Variant type: Deletion.
Coding change: c.94del on transcript NM_001195129.2 (MANE Select); coding-DNA position 94, one base deleted (C; older notation c.94delC).
Protein change: p.Gln32fs; shifts the reading frame from glutamine 32.
Molecular consequence: frameshift variant.
Genome position (GRCh38, 1-based): chr2:232,520,692, C deleted. VCF-style (leftmost placement, unchanged base first): chr2-232520691-GC-G. GRCh37 (hg19) VCF-style: chr2-233385401-GC-G.
Other names: c.94del, p.Gln32fs (NM_001369848.1); short protein forms Q32fs.
Identifiers: ClinVar variation 932138 (VCV000932138.3), dbSNP rs1691258244, ClinGen allele CA1139657787.